The following is an entry in ClinVar:

ClinVar aggregate classification (germline): Uncertain significance (1 of 4 stars; one submission).

Allele frequency attached by ClinVar (database versions not stated): gnomAD exomes below 0.00001; gnomAD 0.00002.
gnomAD v4.1: 39 of 1,607,734 alleles (0.0024%); highest among the groups gnomAD compares: Non-Finnish European, 0.0033%; no homozygotes.

Submission:

Labcorp Genetics (formerly Invitae), Labcorp
Classification: Uncertain significance. Last evaluated: 2022-10-25. Review status: criteria provided, single submitter. Criteria: Invitae Variant Classification Sherloc (09022015). Collection method: clinical testing. Allele origin: germline.
Comment: This sequence change affects an acceptor splice site in intron 100 of the HMCN1 gene. It is expected to disrupt RNA splicing. Variants that disrupt the donor or acceptor splice site typically lead to a loss of protein function (PMID: 16199547), however the current clinical and genetic evidence is not sufficient to establish whether loss-of-function variants in HMCN1 cause disease. This variant is present in population databases (rs200351804, gnomAD 0.002%). This variant has not been reported in the literature in individuals affected with HMCN1-related conditions. ClinVar contains an entry for this variant (Variation ID: 1461060). Algorithms developed to predict the effect of sequence changes on RNA splicing suggest that this variant may disrupt the consensus splice site. In summary, the available evidence is currently insufficient to determine the role of this variant in disease. Therefore, it has been classified as a Variant of Uncertain Significance.

Literature cited by the submitters: PubMed 16199547.

NM_031935.3(HMCN1):c.15575-1G>A

Gene: HMCN1 (hemicentin 1; plus strand). Cytogenetic location: 1q31.1.
Variant type: single nucleotide variant.
Coding change: c.15575-1G>A on transcript NM_031935.3 (MANE Select); the canonical splice acceptor site of the intron before coding-DNA position 15575, G replaced by A.
Molecular consequence: splice acceptor variant.
Genome position (GRCh38, 1-based): chr1:186,171,336, G>A. VCF-style: chr1-186171336-G-A. GRCh37 (hg19) VCF-style: chr1-186140468-G-A.
Identifiers: ClinVar variation 1461060 (VCV001461060.3), dbSNP rs200351804, ClinGen allele CA33501650.
Genomic context (GRCh38, chr1:186,171,336, plus strand): 5'-CATTTGGGATAAATTCAGGTTTCCTAATAGCATATAATGAAAGTTTTGTTTTATTTAACA[G>A]ATATTAATGAATGTCAAGAATCCAGCCCCTGTCACCAGCGCTGTTTCAATGCCATAGGAA-3'